The following is an entry in ClinVar:

ClinVar aggregate classification (germline): Uncertain significance. Review status: criteria provided, multiple submitters, no conflicts (2 of 4 stars). 3 submissions from 3 submitters: Uncertain significance (3). Last evaluated 2024-01-30.

Conditions:
Cutis laxa with severe pulmonary, gastrointestinal and urinary anomalies. Also called: LTBP4-Related Cutis Laxa; Cutis laxa, autosomal recessive, type IC; URBAN-RIFKIN-DAVIS SYNDROME. Identifiers: Orphanet 221145, MedGen C2750804, MONDO:0013170, OMIM 613177. Disease mechanism: loss of function.

Allele frequency attached by ClinVar (database versions not stated): ExAC 0.00014; gnomAD 0.00004; gnomAD exomes 0.00005 and 0.00012; TOPMed 0.00005; ESP Exome Variant Server 0.00008.
gnomAD v4.1: 82 of 1,613,718 alleles (0.0051%); highest among the groups gnomAD compares: Admixed American, 0.035%; no homozygotes.

Submissions (3):

GeneDx
Classification: Uncertain significance. Last evaluated: 2024-01-30. Review status: criteria provided, single submitter. Criteria: GeneDx Variant Classification Process June 2021. Collection method: clinical testing. Allele origin: germline. Affected: yes.
Comment: In silico analysis supports that this missense variant has a deleterious effect on protein structure/function; Has not been previously published as pathogenic or benign to our knowledge

Labcorp Genetics (formerly Invitae), Labcorp
Classification: Uncertain significance. Last evaluated: 2022-08-23. Review status: criteria provided, single submitter. Criteria: Invitae Variant Classification Sherloc (09022015). Collection method: clinical testing. Allele origin: germline.
Comment: This sequence change replaces proline with leucine at codon 1153 of the LTBP4 protein (p.Pro1153Leu). The proline residue is highly conserved and there is a moderate physicochemical difference between proline and leucine. This variant is present in population databases (rs369221693, gnomAD 0.03%). This variant has not been reported in the literature in individuals affected with LTBP4-related conditions. ClinVar contains an entry for this variant (Variation ID: 1211776). Experimental studies and prediction algorithms are not available or were not evaluated, and the functional significance of this variant is currently unknown. In summary, the available evidence is currently insufficient to determine the role of this variant in disease. Therefore, it has been classified as a Variant of Uncertain Significance.

Fulgent Genetics
Classification: Uncertain significance for Cutis laxa with severe pulmonary, gastrointestinal and urinary anomalies. Last evaluated: 2021-07-22. Review status: criteria provided, single submitter. Criteria: ACMG Guidelines, 2015. Collection method: clinical testing. Allele origin: unknown.

NM_001042545.2(LTBP4):c.3368C>T (p.Pro1123Leu)

Gene: LTBP4 (latent transforming growth factor beta binding protein 4; plus strand). Cytogenetic location: 19q13.2.
Variant type: single nucleotide variant.
Coding change: c.3368C>T on transcript NM_001042545.2 (MANE Select); coding-DNA position 3368, C replaced by T.
Protein change: p.Pro1123Leu; replaces proline 1123 with leucine.
Molecular consequence: missense variant.
Genome position (GRCh38, 1-based): chr19:40,622,551, C>T. VCF-style: chr19-40622551-C-T. GRCh37 (hg19) VCF-style: chr19-41128456-C-T.
Other names: c.3569C>T, p.Pro1190Leu (NM_001042544.1); c.3458C>T, p.Pro1153Leu (NM_003573.2); short protein forms P1123L, P1153L, P1190L.
Identifiers: ClinVar variation 1211776 (VCV001211776.8), dbSNP rs369221693, ClinGen allele CA9448989.